The following is an entry in ClinVar:

NM_000535.7(PMS2):c.1054T>C (p.Leu352=)

Gene: PMS2 (PMS1 homolog 2, mismatch repair system component; minus strand). Cytogenetic location: 7p22.1.
Variant type: single nucleotide variant.
Coding change: c.1054T>C on transcript NM_000535.7 (MANE Select); coding-DNA position 1054, T replaced by C.
Protein change: p.Leu352=; no amino-acid change (leucine 352 retained).
Molecular consequence: synonymous variant. On other transcripts: non-coding transcript variant (1), intron variant (2).
Genome position (GRCh38, 1-based): chr7:5,989,890, A>G on the plus strand (T>C on the coding strand, the complement: PMS2 is on the minus strand). VCF-style: chr7-5989890-A-G. GRCh37 (hg19) VCF-style: chr7-6029521-A-G.
Other names: c.649T>C, p.Leu217= (NM_001322003.2, NM_001322004.2, NM_001322005.2 and 1 more transcripts); c.736T>C, p.Leu246= (NM_001322007.2, NM_001322008.2); c.121T>C, p.Leu41= (NM_001322011.2, NM_001322012.2); c.481T>C, p.Leu161= (NM_001322013.2); c.1054T>C, p.Leu352= (NM_001322014.2); c.745T>C, p.Leu249= (NM_001322015.2); c.583+2083T>C (NM_001322010.2); c.988+2083T>C (NM_001322006.2).
Identifiers: ClinVar variation 484298 (VCV000484298.17), dbSNP rs1554298752, ClinGen allele CA453644171.
Genomic context (GRCh38, chr7:5,989,890, plus strand): 5'-CATTTAGCTTGTTGACATCACTATCAAACATTCCTATCAAAGAGGTCTTTAAAACTGCCA[A>G]CAAAAGCTTTTCCTCTTGTAGCAAAATTTGCCTTTTATCTGGAGTAACATTGATATCAAC-3'
Protein context (NP_000526.2, residues 342-362): QILLQEEKLL[Leu352=]AVLKTSLIGM

ClinVar aggregate classification (germline): Benign/Likely benign. Review status: criteria provided, multiple submitters, no conflicts (2 of 4 stars). 3 submissions from 3 submitters: Benign (1); Likely benign (2). Last evaluated 2025-01-29.

Conditions:
Hereditary nonpolyposis colorectal neoplasms. Identifiers: MedGen C0009405, MeSH D003123.
Hereditary cancer-predisposing syndrome. Also called: Neoplastic Syndromes, Hereditary; Tumor predisposition; Hereditary Cancer Syndrome; Hereditary neoplastic syndrome. Identifiers: Orphanet 140162, MedGen C0027672, MeSH D009386, MONDO:0015356.
Lynch syndrome 4 (LYNCH4). Also called: Colorectal cancer, hereditary nonpolyposis, type 4; Hereditary non-polyposis colorectal cancer, type 4. Identifiers: Orphanet 144, MedGen C1838333, MONDO:0013699, OMIM 614337. Disease mechanism: loss of function.

Allele frequency attached by ClinVar (database versions not stated): gnomAD below 0.00001 and 0.00001.
gnomAD v4.1: 3 of 1,612,420 alleles (0.00019%); highest among the groups gnomAD compares: South Asian, 0.0033%; no homozygotes.

Submissions (3):

Myriad Genetics, Inc.
Classification: Benign for Lynch syndrome 4. Last evaluated: 2025-01-29. Review status: criteria provided, single submitter. Criteria: Myriad Autosomal Dominant, Autosomal Recessive and X-Linked Classification Criteria (2023). Collection method: clinical testing. Allele origin: unknown.
Comment: This variant is considered benign. This variant is a silent/synonymous amino acid change and it is not expected to impact splicing.

Labcorp Genetics (formerly Invitae), Labcorp
Classification: Likely benign for Hereditary nonpolyposis colorectal neoplasms. Last evaluated: 2024-11-18. Review status: criteria provided, single submitter. Criteria: Invitae Variant Classification Sherloc (09022015). Collection method: clinical testing. Allele origin: germline.

Ambry Genetics
Classification: Likely benign for Hereditary cancer-predisposing syndrome. Last evaluated: 2016-11-25. Review status: criteria provided, single submitter. Criteria: Ambry Variant Classification Scheme 2023. Collection method: clinical testing. Allele origin: germline.